The following is an entry in ClinVar:

NM_001283009.2(RTEL1):c.1392G>A (p.Met464Ile)

Genes: RTEL1 (regulator of telomere elongation helicase 1; plus strand), RTEL1-TNFRSF6B (RTEL1-TNFRSF6B readthrough (NMD candidate); plus strand). Cytogenetic location: 20q13.33.
Variant type: single nucleotide variant.
Coding change: c.1392G>A on transcript NM_001283009.2 (MANE Select); coding-DNA position 1392, G replaced by A.
Protein change: p.Met464Ile; replaces methionine 464 with isoleucine.
Molecular consequence: missense variant. On other transcripts: non-coding transcript variant (1).
Genome position (GRCh38, 1-based): chr20:63,687,681, G>A. VCF-style: chr20-63687681-G-A. GRCh37 (hg19) VCF-style: chr20-62319034-G-A.
Other names: c.723G>A, p.Met241Ile (NM_001283010.1); c.1392G>A, p.Met464Ile (NM_016434.4); c.1464G>A, p.Met488Ile (NM_032957.5); short protein forms M464I, M241I, M488I.
Identifiers: ClinVar variation 3948389 (VCV003948389.1).
Genomic context (GRCh38, chr20:63,687,681, plus strand): 5'-CGCCCCCCGCCCCACAGGGAAGGTGCTGAGCTACTGGTGCTTCAGTCCCGGCCACAGCAT[G>A]CACGAGCTGGTCCGCCAGGGCGTCCGCTCCCTCATCCTTACCAGCGGCACGCTGGCCCCG-3'
Protein context (NP_001269938.1, residues 454-474): SYWCFSPGHS[Met464Ile]HELVRQGVRS

ClinVar aggregate classification (germline): Uncertain significance (1 of 4 stars; one submission).

Conditions:
Inborn genetic diseases. Identifiers: MedGen C0950123, MeSH D030342.

Submission:

Ambry Genetics
Classification: Uncertain significance for Inborn genetic diseases. Last evaluated: 2025-05-11. Review status: criteria provided, single submitter. Criteria: Ambry Variant Classification Scheme 2023. Collection method: clinical testing. Allele origin: germline.
Comment: The p.M464I variant (also known as c.1392G>A), located in coding exon 16 of the RTEL1 gene, results from a G to A substitution at nucleotide position 1392. The methionine at codon 464 is replaced by isoleucine, an amino acid with highly similar properties. This amino acid position is conserved. In addition, this alteration is predicted to be deleterious by in silico analysis. Based on the available evidence, the clinical significance of this variant remains unclear.